The following is an entry in ClinVar:

ClinVar aggregate classification (germline): Uncertain significance. Review status: criteria provided, multiple submitters, no conflicts (2 of 4 stars). 2 submissions from 2 submitters: Uncertain significance (2). Last evaluated 2024-11-05.

Conditions:
Familial adenomatous polyposis 1 (FAP1). Also called: FAMILIAL ADENOMATOUS POLYPOSIS 1, ATTENUATED; POLYPOSIS, ADENOMATOUS INTESTINAL. Identifiers: MedGen C2713442, MONDO:0021056, OMIM 175100. Disease mechanism: loss of function.
Hereditary cancer-predisposing syndrome. Also called: Neoplastic Syndromes, Hereditary; Hereditary Cancer Syndrome; Hereditary neoplastic syndrome; Tumor predisposition. Identifiers: Orphanet 140162, MedGen C0027672, MeSH D009386, MONDO:0015356.

Allele frequency attached by ClinVar (database versions not stated): gnomAD exomes below 0.00001; ExAC 0.00001.

Submissions (2):

Labcorp Genetics (formerly Invitae), Labcorp
Classification: Uncertain significance for Familial adenomatous polyposis 1. Last evaluated: 2024-11-05. Review status: criteria provided, single submitter. Criteria: Invitae Variant Classification Sherloc (09022015). Collection method: clinical testing. Allele origin: germline.
Comment: This sequence change replaces proline, which is neutral and non-polar, with arginine, which is basic and polar, at codon 2448 of the APC protein (p.Pro2448Arg). This variant is present in population databases (rs769559189, gnomAD 0.0009%). This variant has not been reported in the literature in individuals affected with APC-related conditions. ClinVar contains an entry for this variant (Variation ID: 1439969). Invitae Evidence Modeling of protein sequence and biophysical properties (such as structural, functional, and spatial information, amino acid conservation, physicochemical variation, residue mobility, and thermodynamic stability) indicates that this missense variant is not expected to disrupt APC protein function with a negative predictive value of 95%. In summary, the available evidence is currently insufficient to determine the role of this variant in disease. Therefore, it has been classified as a Variant of Uncertain Significance.

Ambry Genetics
Classification: Uncertain significance for Hereditary cancer-predisposing syndrome. Last evaluated: 2022-09-29. Review status: criteria provided, single submitter. Criteria: Ambry Variant Classification Scheme 2023. Collection method: clinical testing. Allele origin: germline.
Comment: The p.P2448R variant (also known as c.7343C>G), located in coding exon 15 of the APC gene, results from a C to G substitution at nucleotide position 7343. The proline at codon 2448 is replaced by arginine, an amino acid with dissimilar properties. This amino acid position is highly conserved in available vertebrate species. In addition, in silico predictors for this gene do not accurately predict pathogenicity. Since supporting evidence is limited at this time, the clinical significance of this alteration remains unclear.

NM_000038.6(APC):c.7343C>G (p.Pro2448Arg)

Gene: APC (APC regulator of Wnt signaling pathway; plus strand). Cytogenetic location: 5q22.2.
Variant type: single nucleotide variant.
Coding change: c.7343C>G on transcript NM_000038.6 (MANE Select); coding-DNA position 7343, C replaced by G.
Protein change: p.Pro2448Arg; replaces proline 2448 with arginine.
Molecular consequence: missense variant.
Genome position (GRCh38, 1-based): chr5:112,842,937, C>G. VCF-style: chr5-112842937-C-G. GRCh37 (hg19) VCF-style: chr5-112178634-C-G.
Other names: c.7343C>G, p.Pro2448Arg (NM_001127510.3, NM_001354895.2); c.7289C>G, p.Pro2430Arg (NM_001127511.3); c.7397C>G, p.Pro2466Arg (NM_001354896.2); c.7373C>G, p.Pro2458Arg (NM_001354897.2); c.7268C>G, p.Pro2423Arg (NM_001354898.2); c.7259C>G, p.Pro2420Arg (NM_001354899.2); c.7220C>G, p.Pro2407Arg (NM_001354900.2); c.7166C>G, p.Pro2389Arg (NM_001354901.2); and 5 more; short protein forms P2357R, P2448R, P2288R, P2347R, P2389R, P2423R, P2458R, P2466R.
Identifiers: ClinVar variation 1439969 (VCV001439969.10), dbSNP rs769559189, ClinGen allele CA047784.